The following is an entry in ClinVar:

NM_001013838.3(CARMIL2):c.980C>T (p.Ala327Val)

Gene: CARMIL2 (capping protein regulator and myosin 1 linker 2; plus strand). Cytogenetic location: 16q22.1.
Variant type: single nucleotide variant.
Coding change: c.980C>T on transcript NM_001013838.3 (MANE Select); coding-DNA position 980, C replaced by T.
Protein change: p.Ala327Val; replaces alanine 327 with valine.
Molecular consequence: missense variant.
Genome position (GRCh38, 1-based): chr16:67,647,867, C>T. VCF-style: chr16-67647867-C-T. GRCh37 (hg19) VCF-style: chr16-67681770-C-T.
Other names: c.980C>T, p.Ala327Val (NM_001317026.3); short protein forms A327V.
Identifiers: ClinVar variation 2751421 (VCV002751421.2), dbSNP rs749750485, ClinGen allele CA396333985.

ClinVar aggregate classification (germline): Uncertain significance (1 of 4 stars; one submission).

gnomAD v4.1: 3 of 1,610,132 alleles (0.00019%); highest among the groups gnomAD compares: Middle Eastern, 0.017%; no homozygotes.

Submission:

Labcorp Genetics (formerly Invitae), Labcorp
Classification: Uncertain significance. Last evaluated: 2023-08-09. Review status: criteria provided, single submitter. Criteria: Invitae Variant Classification Sherloc (09022015). Collection method: clinical testing. Allele origin: germline.
Comment: This sequence change replaces alanine, which is neutral and non-polar, with valine, which is neutral and non-polar, at codon 327 of the CARMIL2 protein (p.Ala327Val). This variant is not present in population databases (gnomAD no frequency). This variant has not been reported in the literature in individuals affected with CARMIL2-related conditions. Advanced modeling of protein sequence and biophysical properties (such as structural, functional, and spatial information, amino acid conservation, physicochemical variation, residue mobility, and thermodynamic stability) performed at Invitae indicates that this missense variant is not expected to disrupt CARMIL2 protein function. In summary, the available evidence is currently insufficient to determine the role of this variant in disease. Therefore, it has been classified as a Variant of Uncertain Significance.